The following is an entry in ClinVar:

NM_005228.5(EGFR):c.2672A>G (p.Tyr891Cys)

Gene: EGFR (epidermal growth factor receptor; plus strand). Cytogenetic location: 7p11.2.
Variant type: single nucleotide variant.
Coding change: c.2672A>G on transcript NM_005228.5 (MANE Select); coding-DNA position 2672, A replaced by G.
Protein change: p.Tyr891Cys; replaces tyrosine 891 with cysteine.
Molecular consequence: missense variant.
Genome position (GRCh38, 1-based): chr7:55,192,812, A>G. VCF-style: chr7-55192812-A-G. GRCh37 (hg19) VCF-style: chr7-55260505-A-G.
Other names: c.2537A>G, p.Tyr846Cys (NM_001346897.2, NM_001346899.2); c.2672A>G, p.Tyr891Cys (NM_001346898.2); c.2513A>G, p.Tyr838Cys (NM_001346900.2); c.1871A>G, p.Tyr624Cys (NM_001346941.2); c.2672A>G (NM_005228.3); short protein forms Y846C, Y891C, Y624C, Y838C.
Identifiers: ClinVar variation 1390619 (VCV001390619.7), dbSNP rs987884612, ClinGen allele CA158934845.

ClinVar aggregate classification (germline): Uncertain significance. Review status: criteria provided, multiple submitters, no conflicts (2 of 4 stars). 2 submissions from 2 submitters: Uncertain significance (2). Last evaluated 2025-03-05.

Conditions:
Hereditary cancer-predisposing syndrome. Also called: Neoplastic Syndromes, Hereditary; Tumor predisposition; Hereditary neoplastic syndrome; Hereditary Cancer Syndrome. Identifiers: Orphanet 140162, MedGen C0027672, MeSH D009386, MONDO:0015356.
EGFR-related lung cancer (EGFR). Identifiers: MedGen CN130014.

Allele frequency attached by ClinVar (database versions not stated): gnomAD exomes below 0.00001; TOPMed 0.00001.
gnomAD v4.1: 4 of 1,614,216 alleles (0.00025%); highest among the groups gnomAD compares: African/African-American, 0.0027%; no homozygotes.

Submissions (2):

Labcorp Genetics (formerly Invitae), Labcorp
Classification: Uncertain significance for EGFR-related lung cancer. Last evaluated: 2025-03-05. Review status: criteria provided, single submitter. Criteria: Invitae Variant Classification Sherloc (09022015). Collection method: clinical testing. Allele origin: germline.
Comment: This sequence change replaces tyrosine, which is neutral and polar, with cysteine, which is neutral and slightly polar, at codon 891 of the EGFR protein (p.Tyr891Cys). This variant is not present in population databases (gnomAD no frequency). This variant has not been reported in the literature in individuals affected with EGFR-related conditions. ClinVar contains an entry for this variant (Variation ID: 1390619). Invitae Evidence Modeling of protein sequence and biophysical properties (such as structural, functional, and spatial information, amino acid conservation, physicochemical variation, residue mobility, and thermodynamic stability) has been performed for this missense variant. However, the output from this modeling did not meet the statistical confidence thresholds required to predict the impact of this variant on EGFR protein function. In summary, the available evidence is currently insufficient to determine the role of this variant in disease. Therefore, it has been classified as a Variant of Uncertain Significance.

Ambry Genetics
Classification: Uncertain significance for Hereditary cancer-predisposing syndrome. Last evaluated: 2025-03-04. Review status: criteria provided, single submitter. Criteria: Ambry Variant Classification Scheme 2023. Collection method: clinical testing. Allele origin: germline.
Comment: The p.Y891C variant (also known as c.2672A>G), located in coding exon 22 of the EGFR gene, results from an A to G substitution at nucleotide position 2672. The tyrosine at codon 891 is replaced by cysteine, an amino acid with highly dissimilar properties. This amino acid position is well conserved in available vertebrate species. In addition, this alteration is predicted to be deleterious by in silico analysis. Based on the available evidence, the clinical significance of this variant remains unclear.